The following is an entry in ClinVar:

ClinVar aggregate classification (germline): Uncertain significance (1 of 4 stars; one submission).

Conditions:
Inborn genetic diseases. Identifiers: MedGen C0950123, MeSH D030342.

Submission:

Ambry Genetics
Classification: Uncertain significance for Inborn genetic diseases. Last evaluated: 2021-12-08. Review status: criteria provided, single submitter. Criteria: Ambry Variant Classification Scheme 2023. Collection method: clinical testing. Allele origin: germline.
Comment: The p.N246K variant (also known as c.738T>A), located in coding exon 7 of the LRRK2 gene, results from a T to A substitution at nucleotide position 738. The asparagine at codon 246 is replaced by lysine, an amino acid with similar properties. This amino acid position is conserved. In addition, this alteration is predicted to be tolerated by in silico analysis. Since supporting evidence is limited at this time, the clinical significance of this alteration remains unclear.

NM_198578.4(LRRK2):c.738T>A (p.Asn246Lys)

Gene: LRRK2 (leucine rich repeat kinase 2; plus strand). Cytogenetic location: 12q12.
Variant type: single nucleotide variant.
Coding change: c.738T>A on transcript NM_198578.4 (MANE Select); coding-DNA position 738, T replaced by A.
Protein change: p.Asn246Lys; replaces asparagine 246 with lysine.
Molecular consequence: missense variant.
Genome position (GRCh38, 1-based): chr12:40,243,581, T>A. VCF-style: chr12-40243581-T-A. GRCh37 (hg19) VCF-style: chr12-40637383-T-A.
Other names: short protein forms N246K.
Identifiers: ClinVar variation 1758657 (VCV001758657.2), dbSNP rs943375290, ClinGen allele CA235354470.